The following is an entry in ClinVar:

ClinVar aggregate classification (germline): Likely pathogenic. Review status: criteria provided, multiple submitters, no conflicts (2 of 4 stars). 4 submissions from 4 submitters: Likely pathogenic (4). Last evaluated 2024-06-23.

Conditions:
Usher syndrome type 2C. Also called: Usher syndrome, type 2B; USHER SYNDROME, TYPE IIC. Identifiers: Orphanet 231178, Orphanet 886, MedGen C2931213, MONDO:0011558, OMIM 605472.
Febrile seizures, familial, 4 (FEB4). Also called: CONVULSIONS, FAMILIAL FEBRILE, 4. Identifiers: MedGen C1858493, MONDO:0011443, OMIM 604352.
ADGRV1-related disorder. Also called: ADGRV1-related disorders; ADGRV1-related condition.

Allele frequency attached by ClinVar (database versions not stated): ExAC 0.00001; gnomAD exomes 0.00001.
gnomAD v4.1: 15 of 1,532,114 alleles (0.00098%); highest among the groups gnomAD compares: Non-Finnish European, 0.0013%; no homozygotes.

Submissions (4):

Fulgent Genetics
Classification: Likely pathogenic for Febrile seizures, familial, 4; Usher syndrome type 2C. Last evaluated: 2024-06-23. Review status: criteria provided, single submitter. Criteria: ACMG Guidelines, 2015. Collection method: clinical testing. Allele origin: germline.

GeneDx
Classification: Likely pathogenic. Last evaluated: 2024-03-12. Review status: criteria provided, single submitter. Criteria: GeneDx Variant Classification Process June 2021. Collection method: clinical testing. Allele origin: germline. Affected: yes.
Comment: Identified as a single heterozygous variant in a patient with Usher Syndrome, type 2 (PMID: 22135276); Canonical splice site variant predicted to result in a null allele in a gene for which loss-of-function is a known mechanism of disease; Not observed at significant frequency in large population cohorts (gnomAD); This variant is associated with the following publications: (PMID: 22135276, 31964843)

Labcorp Genetics (formerly Invitae), Labcorp
Classification: Likely pathogenic. Last evaluated: 2024-01-30. Review status: criteria provided, single submitter. Criteria: Invitae Variant Classification Sherloc (09022015). Collection method: clinical testing. Allele origin: germline.
Comment: This sequence change affects a donor splice site in intron 44 of the ADGRV1 gene. It is expected to disrupt RNA splicing. Variants that disrupt the donor or acceptor splice site typically lead to a loss of protein function (PMID: 16199547), and loss-of-function variants in ADGRV1 are known to be pathogenic (PMID: 19357117, 22135276, 22147658, 26226137, 30718709, 31047384, 32467589). This variant is present in population databases (rs749982150, gnomAD 0.002%). Disruption of this splice site has been observed in individual(s) with ADGRV1-related conditions (PMID: 22135276). ClinVar contains an entry for this variant (Variation ID: 1207273). Algorithms developed to predict the effect of sequence changes on RNA splicing suggest that this variant may disrupt the consensus splice site. In summary, the currently available evidence indicates that the variant is pathogenic, but additional data are needed to prove that conclusively. Therefore, this variant has been classified as Likely Pathogenic.

Blueprint Genetics
Classification: Likely pathogenic for ADGRV1-related disorders. Last evaluated: 2023-09-18. Review status: criteria provided, single submitter. Criteria: ACMG Guidelines, 2015. Collection method: clinical testing. Allele origin: germline. Affected: yes. Observed: 3 variant alleles.

Literature cited by the submitters: PubMed 16199547 (cited by Labcorp Genetics (formerly Invitae), Labcorp); PubMed 19357117 (cited by Labcorp Genetics (formerly Invitae), Labcorp); PubMed 22135276 (cited by Labcorp Genetics (formerly Invitae), Labcorp); PubMed 22147658 (cited by Labcorp Genetics (formerly Invitae), Labcorp); PubMed 26226137 (cited by Labcorp Genetics (formerly Invitae), Labcorp); PubMed 30718709 (cited by Labcorp Genetics (formerly Invitae), Labcorp); PubMed 31047384 (cited by Labcorp Genetics (formerly Invitae), Labcorp); PubMed 32467589 (cited by Labcorp Genetics (formerly Invitae), Labcorp).

NM_032119.4(ADGRV1):c.9623+1G>A

Gene: ADGRV1 (adhesion G protein-coupled receptor V1; plus strand). Cytogenetic location: 5q14.3.
Variant type: single nucleotide variant.
Coding change: c.9623+1G>A on transcript NM_032119.4 (MANE Select); the canonical splice donor site of the intron after coding-DNA position 9623, G replaced by A.
Molecular consequence: splice donor variant.
Genome position (GRCh38, 1-based): chr5:90,720,224, G>A. VCF-style: chr5-90720224-G-A. GRCh37 (hg19) VCF-style: chr5-90016041-G-A.
Identifiers: ClinVar variation 1207273 (VCV001207273.9), dbSNP rs749982150, ClinGen allele CA3340543.